The following is an entry in ClinVar:

NM_000090.4(COL3A1):c.3221G>T (p.Gly1074Val)

Gene: COL3A1 (collagen type III alpha 1 chain; plus strand). Cytogenetic location: 2q32.2.
Variant type: single nucleotide variant.
Coding change: c.3221G>T on transcript NM_000090.4 (MANE Select); coding-DNA position 3221, G replaced by T.
Protein change: p.Gly1074Val; replaces glycine 1074 with valine.
Molecular consequence: missense variant.
Genome position (GRCh38, 1-based): chr2:189,006,956, G>T. VCF-style: chr2-189006956-G-T. GRCh37 (hg19) VCF-style: chr2-189871682-G-T.
Other names: short protein forms G1074V.
Identifiers: ClinVar variation 4525913 (VCV004525913.2).

ClinVar aggregate classification (germline): Likely pathogenic (1 of 4 stars; one submission).

Conditions:
Polymicrogyria with or without vascular-type Ehlers-Danlos syndrome. Identifiers: Orphanet 636941, MedGen C5193040, MONDO:0032688, OMIM 618343.

Submission:

Women's Health and Genetics/Laboratory Corporation of America, LabCorp
Classification: Likely pathogenic for Polymicrogyria with or without vascular-type Ehlers-Danlos syndrome. Last evaluated: 2025-10-22. Review status: criteria provided, single submitter. Criteria: LabCorp Variant Classification Summary - May 2015. Collection method: clinical testing. Allele origin: germline.
Comment: Variant summary: COL3A1 c.3221G>T (p.Gly1074Val) results in a non-conservative amino acid change in the encoded protein sequence. This variant disrupts the triple helix domain of COL3A1. Glycine residues within the Gly-X-Y repeats of the triple helix domain are required for the structure and stability of fibrillar collagens (PMID: 7695699, 8218237, 19344236). In COL3A1, variants that affect these glycine residues are significantly enriched in individuals with disease (PMID: 24922459, 25758994) compared to the general population (ExAC). Algorithms developed to predict the effect of missense changes on protein structure and function all suggest that this variant is likely to be disruptive. The variant was absent in 251386 control chromosomes. To our knowledge, no occurrence of c.3221G>T in individuals affected with COL3A1-related conditions and no experimental evidence demonstrating its impact on protein function have been reported. No submitters have cited clinical-significance assessments for this variant to ClinVar. Based on the evidence outlined above, the variant was classified as likely pathogenic.